The following is an entry in ClinVar:

ClinVar aggregate classification (germline): Uncertain significance (1 of 4 stars; one submission).

Submission:

Women's Health and Genetics/Laboratory Corporation of America, LabCorp
Classification: Uncertain significance. Last evaluated: 2024-10-03. Review status: criteria provided, single submitter. Criteria: LabCorp Variant Classification Summary - May 2015. Collection method: clinical testing. Allele origin: germline.
Comment: Variant summary: The variant involves the deletion of exons 1-13 in the RFT1 gene. A presumed nomenclature of c.(?_-36)_(*3421_?)del has been designated for the purposes of this classification. This deletion includes the entire coding sequence of the gene. As the exact proximal and distal breakpoints are unknown, it may extend beyond the annotated region of the gene to include other flanking genes. Current evidence is not sufficient to establish loss of function as a mechanism for disease. The variant was absent in 21694 control chromosomes (gnomAD Structural Variants dataset v2.1). The available data on variant occurrences in the general population are insufficient to allow any conclusion about variant significance. To our knowledge, no occurrence of c.(?_-36)_(*3421_?)del in individuals affected with RFT1-Congenital Disorder Of Glycosylation and no experimental evidence demonstrating its impact on protein function have been reported. ClinVar contains an entry for a larger variant that includes the RFT1 full-gene deletion (Variation ID: 2427145). Based on the evidence outlined above, the variant was classified as uncertain significance.

NC_000003.11:g.(?_53122498)_(53164452_?)del

Gene: RFT1 (RFT1 homolog; minus strand). Cytogenetic location: 3p21.1.
Variant type: Deletion.
Identifiers: ClinVar variation 3384956 (VCV003384956.1).